The following is an entry in ClinVar:

ClinVar aggregate classification (germline): Conflicting classifications of pathogenicity. Review status: criteria provided, conflicting classifications (1 of 4 stars). 7 submissions from 7 submitters: Uncertain significance (1); Benign (4); Likely benign (2). Last evaluated 2026-05-01.

Conditions:
Early-infantile DEE. Also called: Ohtahara syndrome; Early infantile epileptic encephalopathy; Early infantile epileptic encephalopathy with suppression bursts. Identifiers: Orphanet 1934, MedGen C0393706, MONDO:0800491.
SPTAN1-related disorder. Also called: SPTAN1-related disorders; SPTAN1-related condition.
Inborn genetic diseases. Identifiers: MedGen C0950123, MeSH D030342.
Developmental and epileptic encephalopathy, 5 (DEE5). Identifiers: Orphanet 3451, MedGen C3150731, MONDO:0013277, OMIM 613477.

Allele frequency attached by ClinVar (database versions not stated): gnomAD 0.00007; ESP Exome Variant Server 0.00008; gnomAD exomes 0.00009 and 0.00010; TOPMed 0.00009; ExAC 0.00014.
gnomAD v4.1: 156 of 1,613,832 alleles (0.0097%); highest among the groups gnomAD compares: Non-Finnish European, 0.012%; no homozygotes.

Submissions (7):

CeGaT Center for Human Genetics Tuebingen
Classification: Likely benign. Last evaluated: 2026-05-01. Review status: criteria provided, single submitter. Criteria: CeGaT Center For Human Genetics Tuebingen Variant Classification Criteria Version 2. Collection method: clinical testing. Allele origin: germline. Affected: yes. Observed: 1 variant allele.
Comment: SPTAN1: BP4

Labcorp Genetics (formerly Invitae), Labcorp
Classification: Benign for Early-infantile DEE. Last evaluated: 2026-01-11. Review status: criteria provided, single submitter. Criteria: Invitae Variant Classification Sherloc (09022015). Collection method: clinical testing. Allele origin: germline.

PreventionGenetics, part of Exact Sciences
Classification: Likely benign for SPTAN1-related condition. Last evaluated: 2025-01-03. Review status: criteria provided, single submitter. Criteria: ACMG Guidelines, 2015. Collection method: clinical testing. Allele origin: germline.
Comment: This variant is classified as likely benign based on ACMG/AMP sequence variant interpretation guidelines (Richards et al. 2015 PMID: 25741868, with internal and published modifications).

Genome-Nilou Lab
Classification: Benign for Developmental and epileptic encephalopathy, 5. Last evaluated: 2021-07-15. Review status: criteria provided, single submitter. Criteria: ACMG Guidelines, 2015. Collection method: clinical testing. Allele origin: germline. Affected: no.

Ambry Genetics
Classification: Benign for Inborn genetic diseases. Last evaluated: 2019-05-24. Review status: criteria provided, single submitter. Criteria: Ambry Variant Classification Scheme 2023. Collection method: clinical testing. Allele origin: germline.

GeneDx
Classification: Benign. Last evaluated: 2015-09-09. Review status: criteria provided, single submitter. Criteria: GeneDx Variant Classification (06012015). Collection method: clinical testing. Allele origin: germline. Affected: yes.
Comment: This variant is considered likely benign or benign based on one or more of the following criteria: it is a conservative change, it occurs at a poorly conserved position in the protein, it is predicted to be benign by multiple in silico algorithms, and/or has population frequency not consistent with disease.

Genetic Services Laboratory, University of Chicago
Classification: Uncertain significance. Last evaluated: 2014-11-20. Review status: criteria provided, single submitter. Criteria: ACMG Guidelines, 2015. Collection method: clinical testing. Allele origin: germline.

NM_001130438.3(SPTAN1):c.237+4C>T

Gene: SPTAN1 (spectrin alpha, non-erythrocytic 1; plus strand). Cytogenetic location: 9q34.11.
Variant type: single nucleotide variant.
Coding change: c.237+4C>T on transcript NM_001130438.3 (MANE Select); 4 bases into the intron after coding-DNA position 237, C replaced by T.
Molecular consequence: intron variant.
Genome position (GRCh38, 1-based): chr9:128,566,981, C>T. VCF-style: chr9-128566981-C-T. GRCh37 (hg19) VCF-style: chr9-131329260-C-T.
Other names: c.237+4C>T (NM_001363759.2, NM_003127.4, NM_001363765.2 and 1 more transcripts).
Identifiers: ClinVar variation 212295 (VCV000212295.23), dbSNP rs371350283, ClinGen allele CA205888.